The following is an entry in ClinVar:

ClinVar aggregate classification (germline): Uncertain significance. Review status: criteria provided, multiple submitters, no conflicts (2 of 4 stars). 2 submissions from 2 submitters: Uncertain significance (2). Last evaluated 2024-07-08.

Conditions:
Bethlem myopathy 1A. Also called: MYOPATHY, BENIGN CONGENITAL, WITH CONTRACTURES; Bethlem myopathy 1; Bethlem Muscular Dystrophy. Identifiers: Orphanet 610, MedGen CN029274, MONDO:0024530, OMIM 158810.

Allele frequency attached by ClinVar (database versions not stated): gnomAD exomes below 0.00001; TOPMed below 0.00001.
gnomAD v4.1: 2 of 1,612,470 alleles (0.00012%); highest among the groups gnomAD compares: East Asian, 0.0045%; no homozygotes.

Submissions (2):

Labcorp Genetics (formerly Invitae), Labcorp
Classification: Uncertain significance for Bethlem myopathy 1A. Last evaluated: 2024-07-08. Review status: criteria provided, single submitter. Criteria: Invitae Variant Classification Sherloc (09022015). Collection method: clinical testing. Allele origin: germline.
Comment: This sequence change replaces serine, which is neutral and polar, with leucine, which is neutral and non-polar, at codon 658 of the COL6A1 protein (p.Ser658Leu). This variant is not present in population databases (gnomAD no frequency). This variant has not been reported in the literature in individuals affected with COL6A1-related conditions. ClinVar contains an entry for this variant (Variation ID: 499308). Advanced modeling of protein sequence and biophysical properties (such as structural, functional, and spatial information, amino acid conservation, physicochemical variation, residue mobility, and thermodynamic stability) performed at Invitae indicates that this missense variant is not expected to disrupt COL6A1 protein function with a negative predictive value of 95%. In summary, the available evidence is currently insufficient to determine the role of this variant in disease. Therefore, it has been classified as a Variant of Uncertain Significance.

Eurofins Ntd Llc (ga)
Classification: Uncertain significance. Last evaluated: 2017-01-06. Review status: criteria provided, single submitter. Criteria: EGL Classification Definitions 2015. Collection method: clinical testing. Allele origin: germline. Observed: 1 variant allele, 1 heterozygote.

NM_001848.3(COL6A1):c.1973C>T (p.Ser658Leu)

Gene: COL6A1 (collagen type VI alpha 1 chain; plus strand). Cytogenetic location: 21q22.3.
Variant type: single nucleotide variant.
Coding change: c.1973C>T on transcript NM_001848.3 (MANE Select); coding-DNA position 1973, C replaced by T.
Protein change: p.Ser658Leu; replaces serine 658 with leucine.
Molecular consequence: missense variant.
Genome position (GRCh38, 1-based): chr21:46,001,977, C>T. VCF-style: chr21-46001977-C-T. GRCh37 (hg19) VCF-style: chr21-47421891-C-T.
Other names: short protein forms S658L.
Identifiers: ClinVar variation 499308 (VCV000499308.9), dbSNP rs1260709010, ClinGen allele CA410535035.